The following is an entry in ClinVar:

ClinVar aggregate classification (germline): Pathogenic (1 of 4 stars; one submission).

Submission:

Labcorp Genetics (formerly Invitae), Labcorp
Classification: Pathogenic. Last evaluated: 2021-03-22. Review status: criteria provided, single submitter. Criteria: Invitae Variant Classification Sherloc (09022015). Collection method: clinical testing. Allele origin: germline.
Comment: For these reasons, this variant has been classified as Pathogenic. This variant has not been reported in the literature in individuals with ELP1-related conditions. This variant is not present in population databases (ExAC no frequency). This sequence change creates a premature translational stop signal (p.Gln1256Thrfs*5) in the ELP1 gene. It is expected to result in an absent or disrupted protein product. Loss-of-function variants in ELP1 are known to be pathogenic (PMID: 18303054, 24173031).

Literature cited by the submitters: PubMed 18303054; PubMed 24173031.

NM_003640.5(ELP1):c.3765dup (p.Gln1256fs)

Gene: ELP1 (elongator acetyltransferase complex subunit 1; minus strand). Cytogenetic location: 9q31.3.
Variant type: Duplication.
Coding change: c.3765dup on transcript NM_003640.5 (MANE Select); coding-DNA position 3765, one base duplicated (A; older notation c.3765dupA).
Protein change: p.Gln1256fs; shifts the reading frame from glutamine 1256.
Molecular consequence: frameshift variant.
Genome position (GRCh38, 1-based): chr9:108,878,085, T duplicated on the plus strand (A on the coding strand, the reverse complement: ELP1 is on the minus strand). VCF-style (leftmost placement, unchanged base first): chr9-108878084-G-GT. GRCh37 (hg19) VCF-style: chr9-111640364-G-GT.
Other names: c.3423dup, p.Gln1142fs (NM_001318360.2); c.2718dup, p.Gln907fs (NM_001330749.2); short protein forms Q907fs, Q1142fs, Q1256fs.
Identifiers: ClinVar variation 1451362 (VCV001451362.6), dbSNP rs2118934288, ClinGen allele CA2573143737.